The following is an entry in ClinVar:

NM_000548.5(TSC2):c.2114T>C (p.Val705Ala)

Gene: TSC2 (TSC complex subunit 2; plus strand). Cytogenetic location: 16p13.3.
Variant type: single nucleotide variant.
Coding change: c.2114T>C on transcript NM_000548.5 (MANE Select); coding-DNA position 2114, T replaced by C.
Protein change: p.Val705Ala; replaces valine 705 with alanine.
Molecular consequence: missense variant.
Genome position (GRCh38, 1-based): chr16:2,072,257, T>C. VCF-style: chr16-2072257-T-C. GRCh37 (hg19) VCF-style: chr16-2122258-T-C.
Other names: c.2114T>C, p.Val705Ala (NM_001077183.3, NM_001114382.3, NM_001363528.2 and 3 more transcripts); c.2003T>C, p.Val668Ala (NM_001318827.2); c.1967T>C, p.Val656Ala (NM_001318829.2); c.1514T>C, p.Val505Ala (NM_001318831.2); c.2147T>C, p.Val716Ala (NM_001318832.2); short protein forms V505A, V656A, V668A, V716A, V705A.
Identifiers: ClinVar variation 967989 (VCV000967989.15), dbSNP rs397515068, ClinGen allele CA394274781.

ClinVar aggregate classification (germline): Uncertain significance. Review status: criteria provided, multiple submitters, no conflicts (2 of 4 stars). 5 submissions from 5 submitters: Uncertain significance (5). Last evaluated 2025-10-07.

Conditions:
Hereditary cancer-predisposing syndrome. Also called: Hereditary neoplastic syndrome; Hereditary Cancer Syndrome; Tumor predisposition; Neoplastic Syndromes, Hereditary. Identifiers: Orphanet 140162, MedGen C0027672, MeSH D009386, MONDO:0015356.
Tuberous sclerosis syndrome (TSC). Also called: Tuberous Sclerosis Complex; Tuberous sclerosis. Identifiers: Orphanet 805, MedGen C0041341, MONDO:0001734.
Isolated focal cortical dysplasia type II (FCORD2). Also called: CORTICAL DYSPLASIA OF TAYLOR; Focal cortical dysplasia type II. Identifiers: Orphanet 268994, MedGen C1846385, MONDO:0011818, OMIM 607341, HP:0032051.
Tuberous sclerosis 2 (TSC2). Identifiers: Orphanet 805, MedGen C1860707, MONDO:0013199, OMIM 613254.

Allele frequency attached by ClinVar (database versions not stated): gnomAD exomes below 0.00001.
gnomAD v4.1: 2 of 1,614,076 alleles (0.00012%); highest among the groups gnomAD compares: Non-Finnish European, 0.00017%; no homozygotes.

Submissions (5):

Labcorp Genetics (formerly Invitae), Labcorp
Classification: Uncertain significance for Tuberous sclerosis 2. Last evaluated: 2025-10-07. Review status: criteria provided, single submitter. Criteria: Invitae Variant Classification Sherloc (09022015). Collection method: clinical testing. Allele origin: germline.
Comment: This sequence change replaces valine, which is neutral and non-polar, with alanine, which is neutral and non-polar, at codon 705 of the TSC2 protein (p.Val705Ala). This variant is not present in population databases (gnomAD no frequency). This variant has not been reported in the literature in individuals affected with TSC2-related conditions. ClinVar contains an entry for this variant (Variation ID: 967989). Invitae Evidence Modeling of protein sequence and biophysical properties (such as structural, functional, and spatial information, amino acid conservation, physicochemical variation, residue mobility, and thermodynamic stability) indicates that this missense variant is not expected to disrupt TSC2 protein function with a negative predictive value of 95%. In summary, the available evidence is currently insufficient to determine the role of this variant in disease. Therefore, it has been classified as a Variant of Uncertain Significance.

Color Diagnostics, LLC DBA Color Health
Classification: Uncertain significance for Tuberous sclerosis syndrome. Last evaluated: 2025-07-03. Review status: criteria provided, single submitter. Criteria: ACMG Guidelines, 2015. Collection method: clinical testing. Allele origin: germline.
Comment: This missense variant replaces valine with alanine at codon 705 of the TSC2 protein. Computational prediction suggests that this variant may have deleterious impact on protein structure and function. To our knowledge, functional studies have not been reported for this variant. This variant has not been reported in individuals affected with TSC2-related disorders in the literature. This variant has not been identified in the general population by the Genome Aggregation Database (gnomAD). The available evidence is insufficient to determine the role of this variant in disease conclusively. Therefore, this variant is classified as a Variant of Uncertain Significance.

Baylor Genetics
Classification: Uncertain significance for Isolated focal cortical dysplasia type II. Last evaluated: 2023-09-28. Review status: criteria provided, single submitter. Criteria: ACMG Guidelines, 2015. Collection method: clinical testing. Allele origin: unknown.

All of Us Research Program, National Institutes of Health
Classification: Uncertain significance for Tuberous sclerosis syndrome. Last evaluated: 2023-05-31. Review status: criteria provided, single submitter. Criteria: ACMG Guidelines, 2015. Collection method: clinical testing. Allele origin: germline. Inheritance: Autosomal dominant inheritance. Observed: 1 variant allele, 1 heterozygote.
Comment: This study involves interpretation of variants in research participants for the purpose of population health screening. Participant phenotype was not available at the time of variant classification. Additional details can be found in publication PMID: 35346344, PMCID: PMC8962531

Ambry Genetics
Classification: Uncertain significance for Hereditary cancer-predisposing syndrome. Last evaluated: 2023-03-17. Review status: criteria provided, single submitter. Criteria: Ambry Variant Classification Scheme 2023. Collection method: clinical testing. Allele origin: germline.
Comment: The p.V705A variant (also known as c.2114T>C), located in coding exon 19 of the TSC2 gene, results from a T to C substitution at nucleotide position 2114. The valine at codon 705 is replaced by alanine, an amino acid with similar properties. This amino acid position is highly conserved in available vertebrate species. In addition, this alteration is predicted to be deleterious by in silico analysis. Since supporting evidence is limited at this time, the clinical significance of this alteration remains unclear.